The following is an entry in ClinVar:

NM_000059.4(BRCA2):c.289G>C (p.Glu97Gln)

Gene: BRCA2 (BRCA2 DNA repair associated; plus strand). Cytogenetic location: 13q13.1.
Variant type: single nucleotide variant.
Coding change: c.289G>C on transcript NM_000059.4 (MANE Select); coding-DNA position 289, G replaced by C.
Protein change: p.Glu97Gln; replaces glutamic acid 97 with glutamine.
Molecular consequence: missense variant.
Genome position (GRCh38, 1-based): chr13:32,319,298, G>C. VCF-style: chr13-32319298-G-C. GRCh37 (hg19) VCF-style: chr13-32893435-G-C.
Other names: c.289G>C, p.Glu97Gln (NM_001406719.1, NM_001406720.1, NM_001406721.1); c.-81G>C (NM_001406722.1); short protein forms E97Q.
Identifiers: ClinVar variation 2010763 (VCV002010763.4), dbSNP rs397507646, ClinGen allele CA387754635.

ClinVar aggregate classification (germline): Uncertain significance (1 of 4 stars; one submission).

Conditions:
Hereditary breast ovarian cancer syndrome. Also called: Hereditary breast and ovarian cancer syndrome (HBOC); Hereditary breast and ovarian cancer syndrome; Hereditary breast and ovarian cancer; Breast and ovarian cancer; BRCA1- and BRCA2-Associated Hereditary Breast and Ovarian Cancer; Hereditary breast and/or ovarian cancer syndrome. Identifiers: Orphanet 145, MedGen C0677776, MeSH D061325, MONDO:0003582. Disease mechanism: loss of function.

Allele frequency attached by ClinVar (database versions not stated): gnomAD exomes below 0.00001.
gnomAD v4.1: 1 of 1,613,820 alleles (0.000062%); highest among the groups gnomAD compares: Non-Finnish European, 0.000085%; no homozygotes.

Submission:

Labcorp Genetics (formerly Invitae), Labcorp
Classification: Uncertain significance for Hereditary breast ovarian cancer syndrome. Last evaluated: 2022-06-26. Review status: criteria provided, single submitter. Criteria: Invitae Variant Classification Sherloc (09022015). Collection method: clinical testing. Allele origin: germline.
Comment: In summary, the available evidence is currently insufficient to determine the role of this variant in disease. Therefore, it has been classified as a Variant of Uncertain Significance. Advanced modeling of protein sequence and biophysical properties (such as structural, functional, and spatial information, amino acid conservation, physicochemical variation, residue mobility, and thermodynamic stability) performed at Invitae indicates that this missense variant is not expected to disrupt BRCA2 protein function. This variant has not been reported in the literature in individuals affected with BRCA2-related conditions. This variant is not present in population databases (gnomAD no frequency). This sequence change replaces glutamic acid, which is acidic and polar, with glutamine, which is neutral and polar, at codon 97 of the BRCA2 protein (p.Glu97Gln).